The following is an entry in ClinVar:

ClinVar aggregate classification (germline): Uncertain significance (1 of 4 stars; one submission).

Conditions:
NEXMIF-related disorder. Also called: NEXMIF-related condition.

Allele frequency attached by ClinVar (database versions not stated): gnomAD exomes below 0.00001.
gnomAD v4.1: 1 of 1,211,419 alleles (0.000083%); highest among the groups gnomAD compares: Non-Finnish European, 0.00011%; no homozygotes.

Submission:

PreventionGenetics, part of Exact Sciences
Classification: Uncertain significance for NEXMIF-related condition. Last evaluated: 2023-04-18. Review status: criteria provided, single submitter. Criteria: ACMG Guidelines, 2015. Collection method: clinical testing. Allele origin: germline.
Comment: The NEXMIF c.2965C>T variant is predicted to result in the amino acid substitution p.Arg989Trp. To our knowledge, this variant has not been reported in the literature or in a large population database, indicating this variant is rare. At this time, the clinical significance of this variant is uncertain due to the absence of conclusive functional and genetic evidence.

NM_001008537.3(NEXMIF):c.2965C>T (p.Arg989Trp)

Gene: NEXMIF (neurite extension and migration factor; minus strand). Cytogenetic location: Xq13.3.
Variant type: single nucleotide variant.
Coding change: c.2965C>T on transcript NM_001008537.3 (MANE Select); coding-DNA position 2965, C replaced by T.
Protein change: p.Arg989Trp; replaces arginine 989 with tryptophan.
Molecular consequence: missense variant.
Genome position (GRCh38, 1-based): chrX:74,741,592, G>A on the plus strand (C>T on the coding strand, the complement: NEXMIF is on the minus strand). VCF-style: chrX-74741592-G-A. GRCh37 (hg19) VCF-style: chrX-73961427-G-A.
Other names: short protein forms R989W.
Identifiers: ClinVar variation 2633362 (VCV002633362.1), dbSNP rs2519913105, ClinGen allele CA413667026.